The following is an entry in ClinVar:

ClinVar aggregate classification (germline): Uncertain significance. Review status: criteria provided, multiple submitters, no conflicts (2 of 4 stars). 2 submissions from 2 submitters: Uncertain significance (2). Last evaluated 2024-05-28.

Allele frequency attached by ClinVar (database versions not stated): gnomAD exomes below 0.00001.
gnomAD v4.1: 1 of 1,614,024 alleles (0.000062%); highest among the groups gnomAD compares: Admixed American, 0.0017%; no homozygotes.

Submissions (2):

Mayo Clinic Laboratories, Mayo Clinic
Classification: Uncertain significance. Last evaluated: 2024-05-28. Review status: criteria provided, single submitter. Criteria: ACMG Guidelines, 2015. Collection method: clinical testing. Allele origin: germline. Observed: 1 variant allele.
Comment: BP4, PM2

Labcorp Genetics (formerly Invitae), Labcorp
Classification: Uncertain significance. Last evaluated: 2023-01-13. Review status: criteria provided, single submitter. Criteria: Invitae Variant Classification Sherloc (09022015). Collection method: clinical testing. Allele origin: germline.
Comment: In summary, the available evidence is currently insufficient to determine the role of this variant in disease. Therefore, it has been classified as a Variant of Uncertain Significance. Advanced modeling of protein sequence and biophysical properties (such as structural, functional, and spatial information, amino acid conservation, physicochemical variation, residue mobility, and thermodynamic stability) performed at Invitae indicates that this missense variant is not expected to disrupt COL7A1 protein function. This variant has not been reported in the literature in individuals affected with COL7A1-related conditions. This variant is not present in population databases (gnomAD no frequency). This sequence change replaces alanine, which is neutral and non-polar, with valine, which is neutral and non-polar, at codon 255 of the COL7A1 protein (p.Ala255Val).

NM_000094.4(COL7A1):c.764C>T (p.Ala255Val)

Gene: COL7A1 (collagen type VII alpha 1 chain; minus strand). Cytogenetic location: 3p21.31.
Variant type: single nucleotide variant.
Coding change: c.764C>T on transcript NM_000094.4 (MANE Select); coding-DNA position 764, C replaced by T.
Protein change: p.Ala255Val; replaces alanine 255 with valine.
Molecular consequence: missense variant.
Genome position (GRCh38, 1-based): chr3:48,592,857, G>A on the plus strand (C>T on the coding strand, the complement: COL7A1 is on the minus strand). VCF-style: chr3-48592857-G-A. GRCh37 (hg19) VCF-style: chr3-48630290-G-A.
Other names: p.Ala255Val; short protein forms A255V.
Identifiers: ClinVar variation 2960222 (VCV002960222.4), dbSNP rs2531336544, ClinGen allele CA352741972.